The following is an entry in ClinVar:

NM_013336.4(SEC61A1):c.640A>G (p.Ile214Val)

Genes: RUVBL1 (RuvB like AAA ATPase 1; minus strand), SEC61A1 (SEC61 translocon subunit alpha 1; plus strand). Cytogenetic location: 3q21.3.
Variant type: single nucleotide variant.
Coding change: c.640A>G on transcript NM_013336.4 (MANE Select); coding-DNA position 640, A replaced by G.
Protein change: p.Ile214Val; replaces isoleucine 214 with valine.
Molecular consequence: missense variant. On other transcripts: 3 prime UTR variant (1).
Genome position (GRCh38, 1-based): chr3:128,064,900, A>G. VCF-style: chr3-128064900-A-G. GRCh37 (hg19) VCF-style: chr3-127783743-A-G.
Other names: c.658A>G, p.Ile220Val (NM_001400328.1); c.481A>G, p.Ile161Val (NM_001400329.1); c.*312T>C (NM_001319086.1); short protein forms I161V, I214V, I220V.
Identifiers: ClinVar variation 3606489 (VCV003606489.3).
Genomic context (GRCh38, chr3:128,064,900, plus strand): 5'-TTCGTTCCTTCATATATGTCTCCTCCTCTGCCAACAGGAATGGAATTTGAAGGTGCTATC[A>G]TCGCACTTTTCCATCTGCTGGCCACACGCACAGACAAGGTCCGAGCCCTTCGGGAGGCGT-3'
Protein context (NP_037468.1, residues 204-224): GRGMEFEGAI[Ile214Val]ALFHLLATRT

ClinVar aggregate classification (germline): Uncertain significance. Review status: criteria provided, multiple submitters, no conflicts (2 of 4 stars). 2 submissions from 2 submitters: Uncertain significance (2). Last evaluated 2024-10-14.

Conditions:
SEC61A1-related disorder. Also called: SEC61A1-related condition.

gnomAD v4.1: 8 of 1,611,072 alleles (0.0005%); highest among the groups gnomAD compares: African/African-American, 0.0067%; no homozygotes.

Submissions (2):

PreventionGenetics, part of Exact Sciences
Classification: Uncertain significance for SEC61A1-related condition. Last evaluated: 2024-10-14. Review status: criteria provided, single submitter. Criteria: ACMG Guidelines, 2015. Collection method: clinical testing. Allele origin: germline.
Comment: The SEC61A1 c.640A>G variant is predicted to result in the amino acid substitution p.Ile214Val. To our knowledge, this variant has not been reported in the literature. This variant is reported in 0.0080% of alleles in individuals of African descent in gnomAD. At this time, the clinical significance of this variant is uncertain due to the absence of conclusive functional and genetic evidence.

Labcorp Genetics (formerly Invitae), Labcorp
Classification: Uncertain significance. Last evaluated: 2024-04-25. Review status: criteria provided, single submitter. Criteria: Invitae Variant Classification Sherloc (09022015). Collection method: clinical testing. Allele origin: germline.
Comment: This sequence change replaces isoleucine, which is neutral and non-polar, with valine, which is neutral and non-polar, at codon 214 of the SEC61A1 protein (p.Ile214Val). This variant is present in population databases (no rsID available, gnomAD 0.008%). This variant has not been reported in the literature in individuals affected with SEC61A1-related conditions. Advanced modeling of protein sequence and biophysical properties (such as structural, functional, and spatial information, amino acid conservation, physicochemical variation, residue mobility, and thermodynamic stability) performed at Invitae indicates that this missense variant is not expected to disrupt SEC61A1 protein function with a negative predictive value of 80%. In summary, the available evidence is currently insufficient to determine the role of this variant in disease. Therefore, it has been classified as a Variant of Uncertain Significance.